The following is an entry in ClinVar:

NM_006014.5(LAGE3):c.28G>A (p.Gly10Arg)

Genes: LAGE3 (L antigen family member 3; minus strand), LOC130068876 (ATAC-STARR-seq lymphoblastoid silent region 21109; plus strand). Cytogenetic location: Xq28.
Variant type: single nucleotide variant.
Coding change: c.28G>A on transcript NM_006014.5 (MANE Select); coding-DNA position 28, G replaced by A.
Protein change: p.Gly10Arg; replaces glycine 10 with arginine.
Molecular consequence: missense variant.
Genome position (GRCh38, 1-based): chrX:154,478,888, C>T on the plus strand (G>A on the coding strand, the complement: LAGE3 is on the minus strand). VCF-style: chrX-154478888-C-T. GRCh37 (hg19) VCF-style: chrX-153707227-C-T.
Other names: c.28G>A (NM_006014.3, NM_006014.4); short protein forms G10R.
Identifiers: ClinVar variation 2144225 (VCV002144225.21), dbSNP rs782572582, ClinGen allele CA415194999.

ClinVar aggregate classification (germline): Conflicting classifications of pathogenicity. Review status: criteria provided, conflicting classifications (1 of 4 stars). 5 submissions from 5 submitters: Uncertain significance (3); Likely benign (1). 1 of the submissions does not count toward it. Last evaluated 2026-05-14.

Conditions:
LAGE3-related disorder. Also called: LAGE3-related condition.

Allele frequency attached by ClinVar (database versions not stated): gnomAD 0.00004; TOPMed 0.00005.
gnomAD v4.1: 68 of 1,002,906 alleles (0.0068%); highest among the groups gnomAD compares: Middle Eastern, 0.039%; no homozygotes.

Submissions (5):

Women's Health and Genetics/Laboratory Corporation of America, LabCorp
Classification: Uncertain significance. Last evaluated: 2026-05-14. Review status: criteria provided, single submitter. Criteria: LabCorp Variant Classification Summary - May 2015. Collection method: clinical testing. Allele origin: germline.
Comment: Variant summary: LAGE3 c.28G>A (p.Gly10Arg) results in a non-conservative amino acid change in the encoded protein sequence. Algorithms developed to predict the effect of missense changes on protein structure and function are either unavailable or do not agree on the potential impact of this missense change. The variant was absent in 23146 control chromosomes. The available data on variant occurrences in the general population are insufficient to allow any conclusion about variant significance. To our knowledge, no occurrence of c.28G>A in individuals affected with LAGE3-related conditions and no experimental evidence demonstrating its impact on protein function have been reported. ClinVar contains an entry for this variant (Variation ID: 2144225). Based on the evidence outlined above, the variant was classified as uncertain significance.

Labcorp Genetics (formerly Invitae), Labcorp
Classification: Uncertain significance. Last evaluated: 2025-12-15. Review status: criteria provided, single submitter. Criteria: Invitae Variant Classification Sherloc (09022015). Collection method: clinical testing. Allele origin: germline.
Comment: This sequence change replaces glycine, which is neutral and non-polar, with arginine, which is basic and polar, at codon 10 of the LAGE3 protein (p.Gly10Arg). The frequency data for this variant in the population databases is considered unreliable, as metrics indicate insufficient coverage at this position in the gnomAD database. This variant has not been reported in the literature in individuals affected with LAGE3-related conditions. ClinVar contains an entry for this variant (Variation ID: 2144225). An algorithm developed to predict the effect of missense changes on protein structure and function outputs the following: PolyPhen-2: "Not Available". The arginine amino acid residue is found in multiple mammalian species, which suggests that this missense change does not adversely affect protein function. In summary, the available evidence is currently insufficient to determine the role of this variant in disease. Therefore, it has been classified as a Variant of Uncertain Significance.

CeGaT Center for Human Genetics Tuebingen
Classification: Likely benign. Last evaluated: 2025-02-01. Review status: criteria provided, single submitter. Criteria: CeGaT Center For Human Genetics Tuebingen Variant Classification Criteria Version 2. Collection method: clinical testing. Allele origin: germline. Affected: yes. Observed: 1 variant allele.
Comment: LAGE3: BS2

Ambry Genetics
Classification: Uncertain significance. Last evaluated: 2024-12-10. Review status: criteria provided, single submitter. Criteria: Ambry Variant Classification Scheme 2023. Collection method: clinical testing. Allele origin: germline.

PreventionGenetics, part of Exact Sciences
Classification: Likely benign for LAGE3-related condition. Last evaluated: 2023-10-12. Review status: no assertion criteria provided. Collection method: clinical testing. Allele origin: germline. Not counted in ClinVar's aggregate classification.
Comment: This variant is classified as likely benign based on ACMG/AMP sequence variant interpretation guidelines (Richards et al. 2015 PMID: 25741868, with internal and published modifications).